The following is an entry in ClinVar:

ClinVar aggregate classification (germline): Uncertain significance (1 of 4 stars; one submission).

Submission:

Ambry Genetics
Classification: Uncertain significance. Last evaluated: 2025-10-23. Review status: criteria provided, single submitter. Criteria: Ambry Variant Classification Scheme 2023. Collection method: clinical testing. Allele origin: germline.
Comment: The p.F270C variant (also known as c.809T>G), located in coding exon 1 of the MLH3 gene, results from a T to G substitution at nucleotide position 809. The phenylalanine at codon 270 is replaced by cysteine, an amino acid with highly dissimilar properties. This amino acid position is conserved. In addition, the in silico prediction for this alteration is inconclusive. Based on the available evidence, the clinical significance of this variant remains unclear.

NM_001040108.2(MLH3):c.809T>G (p.Phe270Cys)

Gene: MLH3 (mutL homolog 3; minus strand). Cytogenetic location: 14q24.3.
Variant type: single nucleotide variant.
Coding change: c.809T>G on transcript NM_001040108.2 (MANE Select); coding-DNA position 809, T replaced by G.
Protein change: p.Phe270Cys; replaces phenylalanine 270 with cysteine.
Molecular consequence: missense variant.
Genome position (GRCh38, 1-based): chr14:75,048,847, A>C on the plus strand (T>G on the coding strand, the complement: MLH3 is on the minus strand). VCF-style: chr14-75048847-A-C. GRCh37 (hg19) VCF-style: chr14-75515550-A-C.
Other names: c.809T>G, p.Phe270Cys (NM_014381.3); short protein forms F270C.
Identifiers: ClinVar variation 4552099 (VCV004552099.1).
Genomic context (GRCh38, chr14:75,048,847, plus strand): 5'-ATTTGCCTACTGGTGGGACCATTCTTTGGCTTGCATATAATACTTTCTTTCCTTAATAAA[A>C]AGTCAATGAGTTTATGTAGCTTTGTCCTTAAAACTAGTCTTTTGTTCACAAACAAAAACT-3'
Protein context (NP_001035197.1, residues 260-280): LRTKLHKLID[Phe270Cys]LLRKESIICK